The following is an entry in ClinVar:

NM_000781.3(CYP11A1):c.1351C>T (p.Arg451Trp)

Gene: CYP11A1 (cytochrome P450 family 11 subfamily A member 1; minus strand). Cytogenetic location: 15q24.1.
Variant type: single nucleotide variant.
Coding change: c.1351C>T on transcript NM_000781.3 (MANE Select); coding-DNA position 1351, C replaced by T.
Protein change: p.Arg451Trp; replaces arginine 451 with tryptophan.
Molecular consequence: missense variant.
Genome position (GRCh38, 1-based): chr15:74,338,654, G>A on the plus strand (C>T on the coding strand, the complement: CYP11A1 is on the minus strand). VCF-style: chr15-74338654-G-A. GRCh37 (hg19) VCF-style: chr15-74630995-G-A.
Other names: c.877C>T, p.Arg293Trp (NM_001099773.2); short protein forms R293W, R451W.
Identifiers: ClinVar variation 1327913 (VCV001327913.11), dbSNP rs775102947, ClinGen allele CA7656286.
Genomic context (GRCh38, chr15:74,338,654, plus strand): 5'-CTAGCTCAGCGATCCGCCGTCCCAGACACTGCCGCACACCCCAGCCAAAGCCCAAGTTCC[G>A]GAAGTAGGTGATGTTCTTGTCTTTGCTCAGCCATCGGGTTGGGTCAAAATTTTCCGGGTC-3'
Protein context (NP_000772.2, residues 441-461): LSKDKNITYF[Arg451Trp]NLGFGWGVRQ

ClinVar aggregate classification (germline): Pathogenic/Likely pathogenic. Review status: criteria provided, multiple submitters, no conflicts (2 of 4 stars). 5 submissions from 5 submitters: Pathogenic (2); Likely pathogenic (3). Last evaluated 2025-09-24.

Conditions:
Congenital adrenal insufficiency with 46, XY sex reversal OR 46,XY disorder of sex development-adrenal insufficiency due to CYP11A1 deficiency. Also called: P450scc DEFICIENCY; Congenital adrenal insuffiency with 46, XY sex reversal OR 46,XY disorder of sex development-adrenal insufficiency due to CYP11A1 deficiency. Identifiers: Orphanet 168558, MedGen C3151055, MONDO:0013400, OMIM 613743.

Allele frequency attached by ClinVar (database versions not stated): gnomAD exomes 0.00001; ExAC 0.00002; TOPMed 0.00002.
gnomAD v4.1: 12 of 1,614,166 alleles (0.00074%); highest among the groups gnomAD compares: South Asian, 0.0022%; no homozygotes.

Submissions (5):

3billion
Classification: Likely pathogenic for Congenital adrenal insufficiency with 46, XY sex reversal OR 46,XY disorder of sex development-adrenal insufficiency due to CYP11A1 deficiency. Last evaluated: 2025-09-24. Review status: criteria provided, single submitter. Criteria: ACMG Guidelines, 2015. Collection method: clinical testing. Allele origin: germline. Affected: yes.
Comment: The variant is observed at an extremely low frequency in the gnomAD v4.1.0 dataset (total allele frequency: <0.001%). Predicted Consequence/Location: Missense variant In silico tool predictions suggest damaging effect of the variant on gene or gene product [REVEL: 0.69 (>=0.6, sensitivity 0.68 and specificity 0.92)]. The same nucleotide change resulting in the same amino acid change has been previously reported as pathogenic/likely pathogenic with strong evidence (ClinVar ID: VCV001327913 /PMID: 21880796). Therefore, this variant is classified as Likely pathogenic according to the recommendation of ACMG/AMP guideline.

Fulgent Genetics
Classification: Pathogenic for Congenital adrenal insufficiency with 46, XY sex reversal OR 46,XY disorder of sex development-adrenal insufficiency due to CYP11A1 deficiency. Last evaluated: 2024-05-31. Review status: criteria provided, single submitter. Criteria: ACMG Guidelines, 2015. Collection method: clinical testing. Allele origin: germline.

Labcorp Genetics (formerly Invitae), Labcorp
Classification: Likely pathogenic. Last evaluated: 2023-04-12. Review status: criteria provided, single submitter. Criteria: Invitae Variant Classification Sherloc (09022015). Collection method: clinical testing. Allele origin: germline.
Comment: In summary, the currently available evidence indicates that the variant is pathogenic, but additional data are needed to prove that conclusively. Therefore, this variant has been classified as Likely Pathogenic. Experimental studies have shown that this missense change affects CYP11A1 function (PMID: 21880796, 23337730). An algorithm developed to predict the effect of missense changes on protein structure and function (PolyPhen-2) suggests that this variant is likely to be disruptive. ClinVar contains an entry for this variant (Variation ID: 1327913). This missense change has been observed in individuals with primary adrenal insufficiency (PMID: 21880796, 23337730, 31289154). It has also been observed to segregate with disease in related individuals. This variant is present in population databases (rs775102947, gnomAD 0.004%). This sequence change replaces arginine, which is basic and polar, with tryptophan, which is neutral and slightly polar, at codon 451 of the CYP11A1 protein (p.Arg451Trp).

Kasturba Medical College, Manipal, Kasturba Medical College, Manipal, Manipal Academy of Higher Education, Manipal, India
Classification: Pathogenic for Congenital adrenal insufficiency with 46, XY sex reversal OR 46,XY disorder of sex development-adrenal insufficiency due to CYP11A1 deficiency. Last evaluated: 2021-09-17. Review status: criteria provided, single submitter. Criteria: ACMG Guidelines, 2015. Collection method: clinical testing. Allele origin: germline. Inheritance: Autosomal recessive inheritance. Affected: yes. Observed: 1 homozygote.

Juno Genomics, Hangzhou Juno Genomics, Inc
Classification: Likely pathogenic for Congenital adrenal insufficiency with 46, XY sex reversal OR 46,XY disorder of sex development-adrenal insufficiency due to CYP11A1 deficiency. Review status: criteria provided, single submitter. Criteria: ACMG Guidelines, 2015. Collection method: clinical testing. Allele origin: germline.
Comment: Absent from controls (or at extremely low frequency if recessive) in Genome Aggregation Database.;Multiple lines of computational evidence support a deleterious effect on the gene or gene product.;For recessive disorders, detected in trans with a pathogenic variant.;Co-segregation with disease in multiple affected family members.;Patient's phenotype or family history is highly specific for a disease with a single genetic etiology.

Literature cited by the submitters: PubMed 21880796 (cited by 3 submitters); PubMed 23337730 (cited by Labcorp Genetics (formerly Invitae), Labcorp); PubMed 31289154 (cited by Labcorp Genetics (formerly Invitae), Labcorp).